The following is an entry in ClinVar:

ClinVar aggregate classification (germline): Uncertain significance (1 of 4 stars; one submission).

Conditions:
Neutral lipid storage myopathy (NLSDM). Also called: NEUTRAL LIPID STORAGE DISEASE WITHOUT ICHTHYOSIS. Identifiers: Orphanet 98908, MedGen C1853136, MONDO:0012545, OMIM 610717.

gnomAD v4.1: 2 of 1,613,982 alleles (0.00012%); highest among the groups gnomAD compares: Non-Finnish European, 0.00017%; no homozygotes.

Submission:

Labcorp Genetics (formerly Invitae), Labcorp
Classification: Uncertain significance for Neutral lipid storage myopathy. Last evaluated: 2020-03-02. Review status: criteria provided, single submitter. Criteria: Invitae Variant Classification Sherloc (09022015). Collection method: clinical testing. Allele origin: germline.
Comment: This sequence change replaces proline with alanine at codon 83 of the PNPLA2 protein (p.Pro83Ala). The proline residue is highly conserved and there is a small physicochemical difference between proline and alanine. This variant is not present in population databases (ExAC no frequency). This variant has not been reported in the literature in individuals with PNPLA2-related conditions. Algorithms developed to predict the effect of missense changes on protein structure and function are either unavailable or do not agree on the potential impact of this missense change (SIFT: "Tolerated"; PolyPhen-2: "Probably Damaging"; Align-GVGD: "Class C0"). In summary, the available evidence is currently insufficient to determine the role of this variant in disease. Therefore, it has been classified as a Variant of Uncertain Significance.

NM_020376.4(PNPLA2):c.247C>G (p.Pro83Ala)

Gene: PNPLA2 (patatin like domain 2, triacylglycerol lipase; plus strand). Cytogenetic location: 11p15.5.
Variant type: single nucleotide variant.
Coding change: c.247C>G on transcript NM_020376.4 (MANE Select); coding-DNA position 247, C replaced by G.
Protein change: p.Pro83Ala; replaces proline 83 with alanine.
Molecular consequence: missense variant.
Genome position (GRCh38, 1-based): chr11:821,687, C>G. VCF-style: chr11-821687-C-G. GRCh37 (hg19) VCF-style: chr11-821687-C-G.
Other names: short protein forms P83A.
Identifiers: ClinVar variation 1051284 (VCV001051284.9), dbSNP rs2133847135, ClinGen allele CA378978122.